The following is an entry in ClinVar:

ClinVar aggregate classification (germline): Uncertain significance. Review status: criteria provided, multiple submitters, no conflicts (2 of 4 stars). 4 submissions from 4 submitters: Uncertain significance (4). Last evaluated 2025-09-15.

Conditions:
DICER1-related tumor predisposition. Also called: DICER1 syndrome; DICER1-related pleuropulmonary blastoma cancer predisposition syndrome. Identifiers: Orphanet 284343, MedGen C3839822, MONDO:0100216.
Global developmental delay - lung cysts - overgrowth - Wilms tumor syndrome. Also called: GLOBAL DEVELOPMENTAL DELAY, LUNG CYSTS, OVERGROWTH, AND WILMS TUMOR; GLOW Syndrome. Identifiers: Orphanet 404476, MedGen C4748924, MONDO:0018445, OMIM 618272.
Hereditary cancer-predisposing syndrome. Also called: Neoplastic Syndromes, Hereditary; Tumor predisposition; Hereditary neoplastic syndrome; Hereditary Cancer Syndrome. Identifiers: Orphanet 140162, MedGen C0027672, MeSH D009386, MONDO:0015356.

Allele frequency attached by ClinVar (database versions not stated): gnomAD exomes below 0.00001 and 0.00001; ExAC 0.00001; gnomAD 0.00001.
gnomAD v4.1: 12 of 1,613,970 alleles (0.00074%); highest among the groups gnomAD compares: African/African-American, 0.0013%; no homozygotes.

Submissions (4):

Labcorp Genetics (formerly Invitae), Labcorp
Classification: Uncertain significance for DICER1-related tumor predisposition. Last evaluated: 2025-09-15. Review status: criteria provided, single submitter. Criteria: Invitae Variant Classification Sherloc (09022015). Collection method: clinical testing. Allele origin: germline.
Comment: This sequence change replaces serine, which is neutral and polar, with asparagine, which is neutral and polar, at codon 1125 of the DICER1 protein (p.Ser1125Asn). The frequency data for this variant in the population databases is considered unreliable, as metrics indicate poor data quality at this position in the gnomAD database. This variant has not been reported in the literature in individuals affected with DICER1-related conditions. ClinVar contains an entry for this variant (Variation ID: 242084). Invitae Evidence Modeling of protein sequence and biophysical properties (such as structural, functional, and spatial information, amino acid conservation, physicochemical variation, residue mobility, and thermodynamic stability) indicates that this missense variant is not expected to disrupt DICER1 protein function with a negative predictive value of 95%. In summary, the available evidence is currently insufficient to determine the role of this variant in disease. Therefore, it has been classified as a Variant of Uncertain Significance.

Ambry Genetics
Classification: Uncertain significance for Hereditary cancer-predisposing syndrome. Last evaluated: 2025-07-07. Review status: criteria provided, single submitter. Criteria: Ambry Variant Classification Scheme 2023. Collection method: clinical testing. Allele origin: germline.
Comment: The p.S1125N variant (also known as c.3374G>A), located in coding exon 20 of the DICER1 gene, results from a G to A substitution at nucleotide position 3374. The serine at codon 1125 is replaced by asparagine, an amino acid with highly similar properties. This amino acid position is well conserved in available vertebrate species. In addition, this alteration is predicted to be tolerated by in silico analysis. Since supporting evidence is limited at this time, the clinical significance of this alteration remains unclear.

Baylor Genetics
Classification: Uncertain significance for Global developmental delay - lung cysts - overgrowth - Wilms tumor syndrome. Last evaluated: 2024-01-09. Review status: criteria provided, single submitter. Criteria: ACMG Guidelines, 2015. Collection method: clinical testing. Allele origin: unknown.

Sema4
Classification: Uncertain significance for Hereditary cancer-predisposing syndrome. Last evaluated: 2022-02-23. Review status: criteria provided, single submitter. Criteria: Sema4 Curation Guidelines. Collection method: curation. Allele origin: germline.
Comment: The DICER1 c.3374G>A (p.S1125N) variant has not been reported in the literature to our knowledge. It was observed in 2/282212 chromosomes across all populations, in the large and broad cohorts of the Genome Aggregation Database (PMID: 32461654). The variant has been reported in ClinVar (Variation ID 242084). In silico tools suggest the impact of the variant on protein function is benign, though these predictions have not been confirmed by functional studies. The evidence is insufficient to meet ACMG/AMP criteria for classifying the variant as benign or pathogenic. Thus, the clinical significance of this variant is currently uncertain.

NM_177438.3(DICER1):c.3374G>A (p.Ser1125Asn)

Gene: DICER1 (dicer 1, ribonuclease III; minus strand). Cytogenetic location: 14q32.13.
Variant type: single nucleotide variant.
Coding change: c.3374G>A on transcript NM_177438.3 (MANE Select); coding-DNA position 3374, G replaced by A.
Protein change: p.Ser1125Asn; replaces serine 1125 with asparagine.
Molecular consequence: missense variant.
Genome position (GRCh38, 1-based): chr14:95,104,022, C>T on the plus strand (G>A on the coding strand, the complement: DICER1 is on the minus strand). VCF-style: chr14-95104022-C-T. GRCh37 (hg19) VCF-style: chr14-95570359-C-T.
Other names: c.3374G>A, p.Ser1125Asn (NM_001195573.1, NM_001271282.3, NM_001291628.2 and 1 more transcripts); short protein forms S1125N.
Identifiers: ClinVar variation 242084 (VCV000242084.17), dbSNP rs748581847, ClinGen allele CA7331049.